The following is an entry in ClinVar:

NC_012920.1(MT-ND3):m.10084T>C

Gene: MT-ND3 (mitochondrially encoded NADH dehydrogenase 3; plus strand).
Variant type: single nucleotide variant.
Genome position: chrM-10084-T-C.
Identifiers: ClinVar variation 235627 (VCV000235627.5), dbSNP rs41487950, ClinGen allele CA10581380.
Genomic context (GRCh38, chrMT:10,084, plus strand): 5'-AATTAACTAGTTTTGACAACATTCAAAAAAGAGTAATAAACTTCGCCTTAATTTTAATAA[T>C]CAACACCCTCCTAGCCTTACTACTAATAATTATTACATTTTGACTACCACAACTCAACGG-3'

ClinVar aggregate classification (germline): Benign/Likely benign. Review status: criteria provided, multiple submitters, no conflicts (2 of 4 stars). 3 submissions from 3 submitters: Benign (1); Likely benign (2). Last evaluated 2019-10-17.

Conditions:
Leigh syndrome (NULS). Also called: Leigh Syndrome (mtDNA deletion); Leigh's syndrome; LEIGH SYNDROME, NUCLEAR; Leigh Disease; Subacute necrotizing encephalopathy; Necrotizing encephalopathy infantile subacute of Leigh. Identifiers: Orphanet 506, MedGen C2931891, MONDO:0009723, OMIM 256000.

Submissions (3):

Wong Mito Lab, Molecular and Human Genetics, Baylor College of Medicine
Classification: Benign for Leigh syndrome. Last evaluated: 2019-10-17. Review status: criteria provided, single submitter. Criteria: Modified ACMG Guidelines (Unpublished). Collection method: clinical testing. Allele origin: germline.
Comment: The NC_012920.1:m.10084T>C (YP_003024033.1:p.Ile9Thr) variant in MTND3 gene is interpretated to be a Benign variant based on the modified ACMG guidelines (unpublished). This variant meets the following evidence codes: BA1

Center for Pediatric Genomic Medicine, Children's Mercy Hospital and Clinics
Classification: Likely benign. Last evaluated: 2015-08-12. Review status: criteria provided, single submitter. Criteria: ACMG Guidelines, 2015. Collection method: clinical testing. Allele origin: germline.
ClinVar note: Converted during submission from Likely Benign to Likely benign.

Breakthrough Genomics
Classification: Likely benign. Review status: criteria provided, single submitter. Criteria: ACMG Guidelines, 2015. Collection method: not provided. Allele origin: germline. Inheritance: Unknown mechanism. Affected: yes.